The following is an entry in ClinVar:

NM_000359.3(TGM1):c.398_407dup (p.Tyr136Ter)

Gene: TGM1 (transglutaminase 1; minus strand). Cytogenetic location: 14q12.
Variant type: Duplication.
Coding change: c.398_407dup on transcript NM_000359.3 (MANE Select); coding-DNA positions 398 to 407, 10 bases duplicated (AGTATGAGTA; older notation c.398_407dupAGTATGAGTA).
Protein change: p.Tyr136Ter; replaces tyrosine 136 with a stop codon.
Molecular consequence: nonsense.
Genome position (GRCh38, 1-based): chr14:24,261,796-24,261,805, TACTCATACT duplicated on the plus strand (AGTATGAGTA on the coding strand, the reverse complement: TGM1 is on the minus strand). VCF-style (leftmost placement, unchanged base first): chr14-24261795-G-GTACTCATACT. GRCh37 (hg19) VCF-style: chr14-24731001-G-GTACTCATACT.
Other names: c.398_407dupAGTATGAGTA (NM_000359.3); short protein forms Y136*.
Identifiers: ClinVar variation 372530 (VCV000372530.43), dbSNP rs1057517836, ClinGen allele CA16042882.
Genomic context (GRCh38, chr14:24,261,795, plus strand): 5'-GGTCCGGGACAGGAGGAGGAGCATATGGAAAGGCTGCCCGCGGCGCACTATCAGCTCGTC[G>GTACTCATACT]TACTCATACTCGTCTGTGTGGTGCTCTCGGCGGTTCTGGTCCGAGCGCGAGCTCAGCAAG-3'

ClinVar aggregate classification (germline): Pathogenic. Review status: criteria provided, multiple submitters, no conflicts (2 of 4 stars). 9 submissions from 9 submitters: Pathogenic (9). Last evaluated 2025-05-30.

Conditions:
Abnormality of the skin. Identifiers: MedGen C5848159, HP:0000951.
TGM1-related disorder. Also called: TGM1-related condition.
Autosomal recessive congenital ichthyosis 1 (LI1). Also called: LAMELLAR EXFOLIATION OF NEWBORN; COLLODION FETUS; DESQUAMATION OF NEWBORN; ICHTHYOSIS CONGENITA; ICHTHYOSIS CONGENITA II; ICHTHYOSIS, CONGENITAL, AUTOSOMAL RECESSIVE 1, WITH BATHING SUIT DISTRIBUTION. Identifiers: MedGen C4551630, MONDO:0009441, OMIM 242300.

Allele frequency attached by ClinVar (database versions not stated): gnomAD exomes below 0.00001.

Submissions (9):

Labcorp Genetics (formerly Invitae), Labcorp
Classification: Pathogenic. Last evaluated: 2025-05-30. Review status: criteria provided, single submitter. Criteria: Invitae Variant Classification Sherloc (09022015). Collection method: clinical testing. Allele origin: germline.
Comment: This sequence change creates a premature translational stop signal (p.Tyr136*) in the TGM1 gene. It is expected to result in an absent or disrupted protein product. Loss-of-function variants in TGM1 are known to be pathogenic (PMID: 18948357, 19241467). This variant is not present in population databases (gnomAD no frequency). This premature translational stop signal has been observed in individual(s) with congenital ichthyosis (PMID: 31168818). ClinVar contains an entry for this variant (Variation ID: 372530). Algorithms developed to predict the effect of sequence changes on RNA splicing suggest that this variant may disrupt the consensus splice site. For these reasons, this variant has been classified as Pathogenic.

GeneDx
Classification: Pathogenic. Last evaluated: 2024-07-26. Review status: criteria provided, single submitter. Criteria: GeneDx Variant Classification Process June 2021. Collection method: clinical testing. Allele origin: germline. Affected: yes.
Comment: Nonsense variant predicted to result in protein truncation or nonsense mediated decay in a gene for which loss of function is a known mechanism of disease; Not observed at significant frequency in large population cohorts (gnomAD); This variant is associated with the following publications: (PMID: 38374194, 31168818, 27061915, 28236338, 29444371, 30578701, 34851365)

Natera, Inc.
Classification: Pathogenic for Autosomal recessive congenital ichthyosis type 1. Last evaluated: 2024-03-19. Review status: criteria provided, single submitter. Criteria: Natera Variant Classification Schema (03/2026). Collection method: clinical testing. Allele origin: germline.
Comment: The c.398_407dupAGTATGAGTA variant in TGM1 is a frameshift variant predicted to shift the reading frame and introduce a stop codon. This variant is expected to result in nonsense mediated decay, truncation, or a dysfunctional protein product. This variant is rare in the general population with a frequency below the threshold expected for the associated phenotype(s). This variant has been observed in one or more individuals affected with the associated recessive disease, as either homozygous or compound heterozygous with a second variant (PMID: 30578701). Additionally, this variant has been observed to segregate in affected family members (PMID: 30578701). Given the available evidence, this variant is classified as Pathogenic.

Baylor Genetics
Classification: Pathogenic for Autosomal recessive congenital ichthyosis 1. Last evaluated: 2023-10-02. Review status: criteria provided, single submitter. Criteria: ACMG Guidelines, 2015. Collection method: clinical testing. Allele origin: unknown.

Blueprint Genetics
Classification: Pathogenic for TGM1-related disorders. Last evaluated: 2023-02-22. Review status: criteria provided, single submitter. Criteria: ACMG Guidelines, 2015. Collection method: clinical testing. Allele origin: germline. Affected: yes. Observed: 5 variant alleles.

Fulgent Genetics
Classification: Pathogenic for Autosomal recessive congenital ichthyosis 1. Last evaluated: 2022-05-12. Review status: criteria provided, single submitter. Criteria: ACMG Guidelines, 2015. Collection method: clinical testing. Allele origin: unknown.

Kariminejad - Najmabadi Pathology & Genetics Center
Classification: Pathogenic for Abnormality of the skin. Last evaluated: 2021-07-10. Review status: criteria provided, single submitter. Criteria: ACMG Guidelines, 2015. Collection method: clinical testing. Allele origin: germline. Affected: yes.

Uitto Lab, Thomas Jefferson University
Classification: Pathogenic for Congenita IIs, Ichthyosis. Last evaluated: 2018-06-08. Review status: criteria provided, single submitter. Criteria: ACMG Guidelines, 2015. Collection method: clinical testing. Allele origin: germline. Affected: yes. Study: Rare heritable connective tissue and skin disorders in Iranian cohort.

Genome-Nilou Lab
Classification: Pathogenic for Autosomal recessive congenital ichthyosis 1. Review status: criteria provided, single submitter. Criteria: ACMG Guidelines, 2015. Collection method: clinical testing. Allele origin: germline.

Literature cited by the submitters: PubMed 18948357 (cited by Labcorp Genetics (formerly Invitae), Labcorp); PubMed 19241467 (cited by Labcorp Genetics (formerly Invitae), Labcorp); PubMed 31168818 (cited by Labcorp Genetics (formerly Invitae), Labcorp); PubMed 30578701 (cited by Natera, Inc.).